The following is an entry in ClinVar:

ClinVar aggregate classification (germline): Benign (0 of 4 stars; one submission).

Conditions:
PLXNA3-related disorder. Also called: PLXNA3-related condition.

Allele frequency attached by ClinVar (database versions not stated): 1000 Genomes Project 0.04053; 1000 Genomes Project 30x 0.04100; gnomAD 0.04193; TOPMed 0.04825; ESP Exome Variant Server 0.05018; gnomAD exomes 0.00439; ExAC 0.01484.

Submissions (24):

PreventionGenetics, part of Exact Sciences
Classification: Benign for PLXNA3-related condition. Last evaluated: 2022-11-22. Review status: no assertion criteria provided. Collection method: clinical testing. Allele origin: germline.
Comment: This variant is classified as benign based on ACMG/AMP sequence variant interpretation guidelines (Richards et al. 2015 PMID: 25741868, with internal and published modifications).

Dr. Peter K. Rogan Lab, Western University
No classification provided (evidence only). Condition: Clear cell carcinoma of kidney. Review status: no classification provided. Collection method: in vitro. Allele origin: not applicable. Functional consequence: retained intron. Not counted in ClinVar's aggregate classification.

Dr. Peter K. Rogan Lab, Western University
No classification provided (evidence only). Condition: Clear cell carcinoma of kidney. Review status: no classification provided. Collection method: in vitro. Allele origin: not applicable. Functional consequence: retained intron. Not counted in ClinVar's aggregate classification.

Dr. Peter K. Rogan Lab, Western University
No classification provided (evidence only). Condition: Clear cell carcinoma of kidney. Review status: no classification provided. Collection method: in vitro. Allele origin: not applicable. Functional consequence: retained intron. Not counted in ClinVar's aggregate classification.

Dr. Peter K. Rogan Lab, Western University
No classification provided (evidence only). Condition: Lung cancer. Review status: no classification provided. Collection method: in vitro. Allele origin: not applicable. Functional consequence: retained intron. Not counted in ClinVar's aggregate classification.

Dr. Peter K. Rogan Lab, Western University
No classification provided (evidence only). Condition: Lung cancer. Review status: no classification provided. Collection method: in vitro. Allele origin: not applicable. Functional consequence: retained intron. Not counted in ClinVar's aggregate classification.

Dr. Peter K. Rogan Lab, Western University
No classification provided (evidence only). Condition: Acute myeloid leukemia. Review status: no classification provided. Collection method: in vitro. Allele origin: not applicable. Functional consequence: retained intron. Not counted in ClinVar's aggregate classification.

Dr. Peter K. Rogan Lab, Western University
No classification provided (evidence only). Condition: Colon adenocarcinoma. Review status: no classification provided. Collection method: in vitro. Allele origin: not applicable. Functional consequence: retained intron. Not counted in ClinVar's aggregate classification.

Dr. Peter K. Rogan Lab, Western University
No classification provided (evidence only). Condition: Colon adenocarcinoma. Review status: no classification provided. Collection method: in vitro. Allele origin: not applicable. Functional consequence: retained intron. Not counted in ClinVar's aggregate classification.

Dr. Peter K. Rogan Lab, Western University
No classification provided (evidence only). Condition: Colon adenocarcinoma. Review status: no classification provided. Collection method: in vitro. Allele origin: not applicable. Functional consequence: retained intron. Not counted in ClinVar's aggregate classification.

Dr. Peter K. Rogan Lab, Western University
No classification provided (evidence only). Condition: Uterine corpus endometrial carcinoma. Review status: no classification provided. Collection method: in vitro. Allele origin: not applicable. Functional consequence: retained intron. Not counted in ClinVar's aggregate classification.

Dr. Peter K. Rogan Lab, Western University
No classification provided (evidence only). Condition: Uterine corpus endometrial carcinoma. Review status: no classification provided. Collection method: in vitro. Allele origin: not applicable. Functional consequence: retained intron. Not counted in ClinVar's aggregate classification.

Dr. Peter K. Rogan Lab, Western University
No classification provided (evidence only). Condition: Uterine corpus endometrial carcinoma. Review status: no classification provided. Collection method: in vitro. Allele origin: not applicable. Functional consequence: retained intron. Not counted in ClinVar's aggregate classification.

Dr. Peter K. Rogan Lab, Western University
No classification provided (evidence only). Condition: Cervical cancer. Review status: no classification provided. Collection method: in vitro. Allele origin: not applicable. Functional consequence: retained intron. Not counted in ClinVar's aggregate classification.

Dr. Peter K. Rogan Lab, Western University
No classification provided (evidence only). Condition: Cervical cancer. Review status: no classification provided. Collection method: in vitro. Allele origin: not applicable. Functional consequence: retained intron. Not counted in ClinVar's aggregate classification.

Dr. Peter K. Rogan Lab, Western University
No classification provided (evidence only). Condition: Cervical cancer. Review status: no classification provided. Collection method: in vitro. Allele origin: not applicable. Functional consequence: retained intron. Not counted in ClinVar's aggregate classification.

Dr. Peter K. Rogan Lab, Western University
No classification provided (evidence only). Condition: Cervical cancer. Review status: no classification provided. Collection method: in vitro. Allele origin: not applicable. Functional consequence: retained intron. Not counted in ClinVar's aggregate classification.

Dr. Peter K. Rogan Lab, Western University
No classification provided (evidence only). Condition: Cervical cancer. Review status: no classification provided. Collection method: in vitro. Allele origin: not applicable. Functional consequence: retained intron. Not counted in ClinVar's aggregate classification.

Dr. Peter K. Rogan Lab, Western University
No classification provided (evidence only). Condition: Sarcoma. Review status: no classification provided. Collection method: in vitro. Allele origin: not applicable. Functional consequence: retained intron. Not counted in ClinVar's aggregate classification.

Dr. Peter K. Rogan Lab, Western University
No classification provided (evidence only). Condition: Nonpapillary renal cell carcinoma. Review status: no classification provided. Collection method: in vitro. Allele origin: not applicable. Functional consequence: retained intron. Not counted in ClinVar's aggregate classification.

Dr. Peter K. Rogan Lab, Western University
No classification provided (evidence only). Condition: Gastric cancer. Review status: no classification provided. Collection method: in vitro. Allele origin: not applicable. Functional consequence: retained intron. Not counted in ClinVar's aggregate classification.

Dr. Peter K. Rogan Lab, Western University
No classification provided (evidence only). Condition: Uterine carcinosarcoma. Review status: no classification provided. Collection method: in vitro. Allele origin: not applicable. Functional consequence: retained intron. Not counted in ClinVar's aggregate classification.

Dr. Peter K. Rogan Lab, Western University
No classification provided (evidence only). Condition: Uterine carcinosarcoma. Review status: no classification provided. Collection method: in vitro. Allele origin: not applicable. Functional consequence: retained intron. Not counted in ClinVar's aggregate classification.

Dr. Peter K. Rogan Lab, Western University
No classification provided (evidence only). Condition: Malignant tumor of esophagus. Review status: no classification provided. Collection method: in vitro. Allele origin: not applicable. Functional consequence: retained intron. Not counted in ClinVar's aggregate classification.

NM_017514.5(PLXNA3):c.2901A>G (p.Thr967=)

Gene: PLXNA3 (plexin A3; plus strand). Cytogenetic location: Xq28.
Variant type: single nucleotide variant.
Coding change: c.2901A>G on transcript NM_017514.5 (MANE Select); coding-DNA position 2901, A replaced by G.
Protein change: p.Thr967=; no amino-acid change (threonine 967 retained).
Molecular consequence: synonymous variant.
Genome position (GRCh38, 1-based): chrX:154,466,477, A>G. VCF-style: chrX-154466477-A-G. GRCh37 (hg19) VCF-style: chrX-153694820-A-G.
Other names: NC_000023.10:g.153694820A>G.
Identifiers: ClinVar variation 3056452 (VCV003056452.3), dbSNP rs5987265, ClinGen allele CA10564506.